The following is an entry in ClinVar:

ClinVar aggregate classification (germline): Pathogenic/Likely pathogenic. Review status: criteria provided, multiple submitters, no conflicts (2 of 4 stars). 21 submissions from 21 submitters: Pathogenic (6); Likely pathogenic (13). 2 of the submissions do not count toward it. Last evaluated 2026-07-21.

Conditions:
ATP7B-related disorder. Also called: ATP7B-related condition.
Inborn genetic diseases. Identifiers: MedGen C0950123, MeSH D030342.
Wilson disease (WND). Also called: Wilson's disease. Identifiers: Orphanet 905, MedGen C0019202, MONDO:0010200, OMIM 277900. Disease mechanism: loss of function.

Allele frequency attached by ClinVar (database versions not stated): gnomAD 0.00006 and 0.00008; gnomAD exomes 0.00006 and 0.00009; ExAC 0.00007; TOPMed 0.00009.
gnomAD v4.1: 105 of 1,613,478 alleles (0.0065%); highest among the groups gnomAD compares: Non-Finnish European, 0.0069%; no homozygotes.

Submissions 1 to 11 of 21:

GeneDx
Classification: Likely pathogenic. Last evaluated: 2026-07-21. Review status: criteria provided, single submitter. Criteria: GeneDx Variant Classification Process June 2021. Collection method: clinical testing. Allele origin: germline.
Comment: Multiple functional studies are conflicting as to whether this variant is associated with impaired copper transport (PMID: 17919502, 24706876, 22240481, 18203200, 9311736, 31598802); In silico analysis supports that this missense variant has a deleterious effect on protein structure/function; This variant is associated with the following publications: (PMID: 31598802, 18371106, 18286826, 29063292, 22240481, 17919502, 18203200, 24706876, 9311736, 8938442, 22677543, 10544227, 15994426, 9671269, 34426522, 42353063, 31980526, 33258288, 41303398, 36096368, 24798599, 22735241, 16207219, 8533760, 34400371, 37937776, 39502306, 39113473, 40661833, Li2026[preprint], 42000590, 41797663, 41536511, 23518715)

CeGaT Center for Human Genetics Tuebingen
Classification: Pathogenic. Last evaluated: 2026-04-01. Review status: criteria provided, single submitter. Criteria: CeGaT Center For Human Genetics Tuebingen Variant Classification Criteria Version 2. Collection method: clinical testing. Allele origin: germline. Affected: yes. Observed: 5 variant alleles.
Comment: ATP7B: PM3:Very Strong, PM2, PP4

Women's Health and Genetics/Laboratory Corporation of America, LabCorp
Classification: Likely pathogenic for Wilson disease. Last evaluated: 2026-01-26. Review status: criteria provided, single submitter. Criteria: LabCorp Variant Classification Summary - May 2015. Collection method: clinical testing. Allele origin: germline.
Comment: Variant summary: ATP7B c.1877G>C (p.Gly626Ala) results in a non-conservative amino acid change located in the Heavy metal-associated domain, copper ion-binding (IPR006122) of the encoded protein sequence. Algorithms developed to predict the effect of missense changes on protein structure and function all suggest that this variant is likely to be disruptive. The variant allele was found at a frequency of 8.8e-05 in 249616 control chromosomes. This frequency is not significantly higher than estimated for disease-causing variants in ATP7B, allowing no conclusion about variant significance. c.1877G>C has been observed in multiple individuals affected with Wilson Disease (Bost_2012, Braiterman_2014, Coffey_2013, Figus_1995, Ljubic_2016, Loudianos_1999, Todorov_2005, Collins_2021). These data indicate that the variant is very likely to be associated with disease. Several publications report experimental evidence evaluating an impact on protein function. Specifically, one study demonstrated that the variant caused partial copper transport activity but normal phosphorylation activity (Huster_2012) while, other studies revealed normal copper transport and trafficking (Braiterman_2014, Hsi_2008). A separate study showed the variant protein retained its ability to interact with COMMD1 but at decreased efficiency (de Bie_2007); however, it is not conclusively established if and how this change could lead to disease. Therefore, these studies do not allow convincing conclusions about the variant effect. The following publications have been ascertained in the context of this evaluation (PMID: 22677543, 24706876, 23518715, 33640437, 34400371, 8533760, 18203200, 22240481, 26799313, 10544227, 16207219, 17919502). ClinVar contains an entry for this variant (Variation ID: 157930). Based on the evidence outlined above, the variant was classified as likely pathogenic.

Labcorp Genetics (formerly Invitae), Labcorp
Classification: Pathogenic for Wilson disease. Last evaluated: 2026-01-19. Review status: criteria provided, single submitter. Criteria: Invitae Variant Classification Sherloc (09022015). Collection method: clinical testing. Allele origin: germline.
Comment: This sequence change replaces glycine, which is neutral and non-polar, with alanine, which is neutral and non-polar, at codon 626 of the ATP7B protein (p.Gly626Ala). This variant is present in population databases (rs587783299, gnomAD 0.1%). This missense change has been observed in individual(s) with Wilson disease (PMID: 8938442, 9311736, 10544227, 16207219, 18371106, 22677543, 22735241, 24706876, 26799313; internal data). In at least one individual the data is consistent with being in trans (on the opposite chromosome) from a pathogenic variant. This variant is also known as p.Gly627Ala. ClinVar contains an entry for this variant (Variation ID: 157930). Invitae Evidence Modeling of protein sequence and biophysical properties (such as structural, functional, and spatial information, amino acid conservation, physicochemical variation, residue mobility, and thermodynamic stability) indicates that this missense variant is expected to disrupt ATP7B protein function with a positive predictive value of 80%. Experimental studies are conflicting or provide insufficient evidence to determine the effect of this variant on ATP7B function (PMID: 17919502, 18203200, 22240481, 24706876). For these reasons, this variant has been classified as Pathogenic.

Variantyx, Inc.
Classification: Pathogenic for Wilson disease. Last evaluated: 2025-12-31. Review status: criteria provided, single submitter. Criteria: Variantyx Assertion Criteria 2022. Collection method: clinical testing. Allele origin: germline. Inheritance: Autosomal recessive inheritance. Affected: no.
Comment: This is a nonsynonymous variant in the ATP7B gene (OMIM: 606882). Pathogenic variants in this gene have been associated with autosomal recessive Wilson disease. This variant has been reported in the homozygous or compound heterozygous state in multiple unrelated affected individuals (PMID: 24706876, 23518715) (PM3). Multiple computational algorithms predict a deleterious effect for this variant (REVEL score: 0.889) (PP3). It has a 0.0069% maximum allele frequency in non-founder control populations (PM2). Based on the current evidence, this variant is classified as pathogenic for autosomal recessive Wilson disease.

Natera, Inc.
Classification: Pathogenic for Wilson disease. Last evaluated: 2025-10-09. Review status: criteria provided, single submitter. Criteria: Natera Variant Classification Schema (03/2026). Collection method: clinical testing. Allele origin: germline.
Comment: The c.1877G>C variant in ATP7B is a missense variant predicted to cause substitution of glycine to alanine at amino acid 626. This variant is rare in the general population with a frequency below the threshold expected for the associated phenotype(s). This variant has been observed in one or more individuals affected with the associated recessive disease, as either homozygous or compound heterozygous with a second variant (PMID: 23518715, 26799313). Computational prediction algorithms indicate this variant is likely to affect gene or protein function. Given the available evidence, this variant is classified as Pathogenic.

Color Diagnostics, LLC DBA Color Health
Classification: Likely pathogenic for Wilson disease. Last evaluated: 2025-06-10. Review status: criteria provided, single submitter. Criteria: ACMG Guidelines, 2015. Collection method: clinical testing. Allele origin: germline.
Comment: This missense variant replaces glycine with alanine at codon 626 of the ATP7B protein. Computational prediction suggests that this variant may have deleterious impact on protein structure and function. Functional studies have shown conflicting results on the impact of this variant on protein function (PMID: 18203200, 22240481, 24706876). One study showed this variant partially disrupted copper transport but maintained normal phosphorylation activity (PMID: 22240481), while two other studies showed normal copper transport and localization (PMID: 18203200, 24706876). This variant has been reported in many individuals affected with Wilson disease (PMID: 8533760, 8938442, 9311736, 10544227, 16207219, 18371106, 22677543, 22735241, 23518715, 24706876, 26799313, 33640437, 34400371, 36096368). In a number of these individuals, this variant has been determined to be in the compound heterozygous state with another pathogenic variant (PMID: 23518715, 24706876, 26799313, 33640437). These data indicate that this variant contributes to Wilson disease in an autosomal recessive manner. This variant has been identified in 24/280910 chromosomes in the general population by the Genome Aggregation Database (gnomAD). Based on the available evidence, this variant is classified as Likely Pathogenic.

Mayo Clinic Laboratories, Mayo Clinic
Classification: Likely pathogenic. Last evaluated: 2025-03-04. Review status: criteria provided, single submitter. Criteria: ACMG Guidelines, 2015. Collection method: clinical testing. Allele origin: germline. Observed: 6 variant alleles.
Comment: PP3, PP4, PM2_moderate, PM3, PS4_moderate

Revvity Omics, Revvity
Classification: Likely pathogenic for Wilson disease. Last evaluated: 2024-12-30. Review status: criteria provided, single submitter. Criteria: ACMG Guidelines, 2015. Collection method: clinical testing. Allele origin: germline.

Blueprint Genetics
Classification: Likely pathogenic for ATP7B-related disorders. Last evaluated: 2024-10-30. Review status: criteria provided, single submitter. Criteria: ACMG Guidelines, 2015. Collection method: clinical testing. Allele origin: germline. Affected: yes. Observed: 5 variant alleles.

Lildballe Lab, Aarhus University Hospital
Classification: Likely pathogenic for Wilson disease. Last evaluated: 2024-08-29. Review status: criteria provided, single submitter. Criteria: ACMG Guidelines, 2015. Collection method: clinical testing. Allele origin: germline. Affected: yes.
Comment: PM1 PP2 PM2 PM5 PP3

NM_000053.4(ATP7B):c.1877G>C (p.Gly626Ala)

Gene: ATP7B (ATPase copper transporting beta; minus strand). Cytogenetic location: 13q14.3.
Variant type: single nucleotide variant.
Coding change: c.1877G>C on transcript NM_000053.4 (MANE Select); coding-DNA position 1877, G replaced by C.
Protein change: p.Gly626Ala; replaces glycine 626 with alanine.
Molecular consequence: missense variant. On other transcripts: intron variant (2).
Genome position (GRCh38, 1-based): chr13:51,961,906, C>G on the plus strand (G>C on the coding strand, the complement: ATP7B is on the minus strand). VCF-style: chr13-51961906-C-G. GRCh37 (hg19) VCF-style: chr13-52536042-C-G.
Other names: c.1544G>C, p.Gly515Ala (NM_001243182.2); c.1877G>C, p.Gly626Ala (NM_001330578.2); c.1869+2966G>C (NM_001005918.3, NM_001330579.2); short protein forms G626A, G515A.
Identifiers: ClinVar variation 157930 (VCV000157930.94), dbSNP rs587783299, ClinGen allele CA271167.
Genomic context (GRCh38, chr13:51,961,906, plus strand): 5'-TCCATCTTGTGGTCCAAGTGATGAGCGTTGGGGTTTCTCTGGGCCAGGGAAGCATGAAAG[C>G]CAATTTCCTTGTCATTAAAAAGAGAGGGGTGGGGAAAAAGGAGGAAGGTACTTGGTTAAA-3'
Protein context (NP_000044.2, residues 616-636): RDIIKIIEEI[Gly626Ala]FHASLAQRNP